The following is an entry in ClinVar:

NM_032242.4(PLXNA1):c.2148C>T (p.Tyr716=)

Gene: PLXNA1 (plexin A1; plus strand). Cytogenetic location: 3q21.3.
Variant type: single nucleotide variant.
Coding change: c.2148C>T on transcript NM_032242.4 (MANE Select); coding-DNA position 2148, C replaced by T.
Protein change: p.Tyr716=; no amino-acid change (tyrosine 716 retained).
Molecular consequence: synonymous variant.
Genome position (GRCh38, 1-based): chr3:127,011,993, C>T. VCF-style: chr3-127011993-C-T. GRCh37 (hg19) VCF-style: chr3-126730836-C-T.
Identifiers: ClinVar variation 3045944 (VCV003045944.3), dbSNP rs1474443881, ClinGen allele CA435506587.

ClinVar aggregate classification (germline): Likely benign. Review status: criteria provided, single submitter (1 of 4 stars). 2 submissions from 2 submitters: Likely benign (1). 1 of the submissions does not count toward it. Last evaluated 2020-05-11.

Conditions:
PLXNA1-related disorder. Also called: PLXNA1-related condition.

Allele frequency attached by ClinVar (database versions not stated): gnomAD exomes 0.00002; TOPMed 0.00002; gnomAD 0.00003.
gnomAD v4.1: 31 of 1,613,620 alleles (0.0019%); highest among the groups gnomAD compares: Admixed American, 0.0067%; no homozygotes.

Submissions (2):

Blueprint Genetics
Classification: Likely benign. Last evaluated: 2020-05-11. Review status: criteria provided, single submitter. Criteria: ACMG Guidelines, 2015. Collection method: clinical testing. Allele origin: germline.

PreventionGenetics, part of Exact Sciences
Classification: Likely benign for PLXNA1-related condition. Last evaluated: 2022-07-26. Review status: no assertion criteria provided. Collection method: clinical testing. Allele origin: germline. Not counted in ClinVar's aggregate classification.
Comment: This variant is classified as likely benign based on ACMG/AMP sequence variant interpretation guidelines (Richards et al. 2015 PMID: 25741868, with internal and published modifications).